The following is an entry in ClinVar:

NM_000051.4(ATM):c.1599_1600dup (p.Pro534fs)

Gene: ATM (ATM serine/threonine kinase; plus strand). Cytogenetic location: 11q22.3.
Variant type: Duplication.
Coding change: c.1599_1600dup on transcript NM_000051.4 (MANE Select); coding-DNA positions 1599 to 1600, 2 bases duplicated (AC; older notation c.1599_1600dupAC).
Protein change: p.Pro534fs; shifts the reading frame from proline 534.
Molecular consequence: frameshift variant.
Genome position (GRCh38, 1-based): chr11:108,251,064-108,251,065, AC duplicated. VCF-style (leftmost placement, unchanged base first): chr11-108251063-G-GAC. GRCh37 (hg19) VCF-style: chr11-108121790-G-GAC.
Other names: c.1599_1600dup, p.Pro534fs (NM_001351834.2); short protein forms P534fs.
Identifiers: ClinVar variation 4714686 (VCV004714686.1).

ClinVar aggregate classification (germline): Pathogenic (1 of 4 stars; one submission).

Conditions:
Ataxia-telangiectasia syndrome (AT). Also called: AT, COMPLEMENTATION GROUP C; Ataxia-telangiectasia, complementation group D; Cerebello-oculocutaneous telangiectasia; Immunodeficiency with ataxia telangiectasia; LOUIS-BAR SYNDROME; Ataxia telangiectasia (A-T). Identifiers: Orphanet 100, MedGen C0004135, MONDO:0008840, OMIM 208900.

Submission:

Labcorp Genetics (formerly Invitae), Labcorp
Classification: Pathogenic for Ataxia-telangiectasia syndrome. Last evaluated: 2026-01-27. Review status: criteria provided, single submitter. Criteria: Invitae Variant Classification Sherloc (09022015). Collection method: clinical testing. Allele origin: germline.
Comment: This sequence change creates a premature translational stop signal (p.Pro534Hisfs*10) in the ATM gene. It is expected to result in an absent or disrupted protein product. Loss-of-function variants in ATM are known to be pathogenic (PMID: 23807571, 25614872). This variant is not present in population databases (gnomAD no frequency). This variant has not been reported in the literature in individuals affected with ATM-related conditions. For these reasons, this variant has been classified as Pathogenic.

Literature cited by the submitters: PubMed 23807571; PubMed 25614872.